The following is an entry in ClinVar:

NM_173630.4(RTTN):c.2190A>C (p.Glu730Asp)

Gene: RTTN (rotatin; minus strand). Cytogenetic location: 18q22.2.
Variant type: single nucleotide variant.
Coding change: c.2190A>C on transcript NM_173630.4 (MANE Select); coding-DNA position 2190, A replaced by C.
Protein change: p.Glu730Asp; replaces glutamic acid 730 with aspartic acid.
Molecular consequence: missense variant. On other transcripts: 5 prime UTR variant (1).
Genome position (GRCh38, 1-based): chr18:70,149,020, T>G on the plus strand (A>C on the coding strand, the complement: RTTN is on the minus strand). VCF-style: chr18-70149020-T-G. GRCh37 (hg19) VCF-style: chr18-67816256-T-G.
Other names: c.-458A>C (NM_001318520.2); c.2190A>C (NM_173630.3); short protein forms E730D.
Identifiers: ClinVar variation 2184164 (VCV002184164.7), dbSNP rs764313680, ClinGen allele CA8995947.
Genomic context (GRCh38, chr18:70,149,020, plus strand): 5'-CATCTCTTCTGTGTCAGAACTTGCTTTGCTTAGAAGGAGAATGCAGTTACCCAGAGGATC[T>G]TCTGTGTCGGCATAGCCCTAATAGATTTGTTTTTAAAGAGAAATTATTGTCTAATTGTAT-3'
Protein context (NP_775901.3, residues 720-740): IPILQGYADT[Glu730Asp]DPLGNCILLL

ClinVar aggregate classification (germline): Uncertain significance. Review status: criteria provided, multiple submitters, no conflicts (2 of 4 stars). 3 submissions from 3 submitters: Uncertain significance (3). Last evaluated 2025-08-14.

Conditions:
Inborn genetic diseases. Identifiers: MedGen C0950123, MeSH D030342.

Allele frequency attached by ClinVar (database versions not stated): gnomAD 0.00001; TOPMed 0.00001; gnomAD exomes 0.00002; ExAC 0.00003.
gnomAD v4.1: 41 of 1,613,178 alleles (0.0025%); highest among the groups gnomAD compares: Middle Eastern, 0.099%; no homozygotes.

Submissions (3):

Ambry Genetics
Classification: Uncertain significance for Inborn genetic diseases. Last evaluated: 2025-08-14. Review status: criteria provided, single submitter. Criteria: Ambry Variant Classification Scheme 2023. Collection method: clinical testing. Allele origin: germline.

Blueprint Genetics
Classification: Uncertain significance. Last evaluated: 2024-10-23. Review status: criteria provided, single submitter. Criteria: ACMG Guidelines, 2015. Collection method: clinical testing. Allele origin: germline.

Labcorp Genetics (formerly Invitae), Labcorp
Classification: Uncertain significance. Last evaluated: 2022-03-16. Review status: criteria provided, single submitter. Criteria: Invitae Variant Classification Sherloc (09022015). Collection method: clinical testing. Allele origin: germline.
Comment: In summary, the available evidence is currently insufficient to determine the role of this variant in disease. Therefore, it has been classified as a Variant of Uncertain Significance. Algorithms developed to predict the effect of missense changes on protein structure and function are either unavailable or do not agree on the potential impact of this missense change (SIFT: "Deleterious"; PolyPhen-2: "Benign"; Align-GVGD: "Class C0"). This variant has not been reported in the literature in individuals affected with RTTN-related conditions. This variant is present in population databases (rs764313680, gnomAD 0.005%). This sequence change replaces glutamic acid, which is acidic and polar, with aspartic acid, which is acidic and polar, at codon 730 of the RTTN protein (p.Glu730Asp).